The following is an entry in ClinVar:

NM_001848.3(COL6A1):c.2042T>C (p.Ile681Thr)

Gene: COL6A1 (collagen type VI alpha 1 chain; plus strand). Cytogenetic location: 21q22.3.
Variant type: single nucleotide variant.
Coding change: c.2042T>C on transcript NM_001848.3 (MANE Select); coding-DNA position 2042, T replaced by C.
Protein change: p.Ile681Thr; replaces isoleucine 681 with threonine.
Molecular consequence: missense variant.
Genome position (GRCh38, 1-based): chr21:46,002,046, T>C. VCF-style: chr21-46002046-T-C. GRCh37 (hg19) VCF-style: chr21-47421960-T-C.
Identifiers: ClinVar variation 93844 (VCV000093844.26), dbSNP rs138884734, ClinGen allele CA147356.

ClinVar aggregate classification (germline): Benign. Review status: criteria provided, multiple submitters, no conflicts (2 of 4 stars). 10 submissions from 10 submitters: Benign (9). 1 of the submissions does not count toward it. Last evaluated 2026-01-26.

Conditions:
Collagen 6-related myopathy. Identifiers: MedGen CN117976, MONDO:0100225.
Bethlem myopathy 1A. Also called: Bethlem myopathy 1; Bethlem Muscular Dystrophy; MYOPATHY, BENIGN CONGENITAL, WITH CONTRACTURES. Identifiers: Orphanet 610, MedGen CN029274, MONDO:0024530, OMIM 158810.

Allele frequency attached by ClinVar (database versions not stated): ExAC 0.00467; 1000 Genomes Project 0.01138; 1000 Genomes Project 30x 0.01359; gnomAD 0.01202 and 0.01280; TOPMed 0.01212; ESP Exome Variant Server 0.01385; gnomAD exomes 0.00172 and 0.00382.
gnomAD v4.1: 4,488 of 1,612,250 alleles (0.28%); highest among the groups gnomAD compares: African/African-American, 3.9%; 69 homozygotes.

Submissions (10):

Labcorp Genetics (formerly Invitae), Labcorp
Classification: Benign for Bethlem myopathy 1A. Last evaluated: 2026-01-26. Review status: criteria provided, single submitter. Criteria: Invitae Variant Classification Sherloc (09022015). Collection method: clinical testing. Allele origin: germline.

Mayo Clinic Laboratories, Mayo Clinic
Classification: Benign. Last evaluated: 2018-10-12. Review status: criteria provided, single submitter. Criteria: ACMG Guidelines, 2015. Collection method: clinical testing. Allele origin: germline. Observed: 7 variant alleles.

Illumina Laboratory Services, Illumina
Classification: Benign for Collagen VI-related myopathy. Last evaluated: 2018-01-12. Review status: criteria provided, single submitter. Criteria: ICSL Variant Classification Criteria 13 December 2019. Collection method: clinical testing. Allele origin: germline.
Comment: This variant was observed in the ICSL laboratory as part of a predisposition screen in an ostensibly healthy population. It had not been previously curated by ICSL or reported in the Human Gene Mutation Database (HGMD: prior to June 1st, 2018), and was therefore a candidate for classification through an automated scoring system. Utilizing variant allele frequency, disease prevalence and penetrance estimates, and inheritance mode, an automated score was calculated to assess if this variant is too frequent to cause the disease. Based on the score and internal cut-off values, a variant classified as benign is not then subjected to further curation. The score for this variant resulted in a classification of benign for this disease.

Athena Diagnostics
Classification: Benign. Last evaluated: 2017-05-31. Review status: criteria provided, single submitter. Criteria: Athena Diagnostics Criteria. Collection method: clinical testing. Allele origin: unknown.

GeneDx
Classification: Benign. Last evaluated: 2016-09-29. Review status: criteria provided, single submitter. Criteria: GeneDx Variant Classification (06012015). Collection method: clinical testing. Allele origin: germline. Affected: yes.
Comment: This variant is considered likely benign or benign based on one or more of the following criteria: it is a conservative change, it occurs at a poorly conserved position in the protein, it is predicted to be benign by multiple in silico algorithms, and/or has population frequency not consistent with disease.

PreventionGenetics, part of Exact Sciences
Classification: Benign. Last evaluated: 2016-02-25. Review status: criteria provided, single submitter. Criteria: ACMG Guidelines, 2015. Collection method: clinical testing. Allele origin: germline.

Center for Pediatric Genomic Medicine, Children's Mercy Hospital and Clinics
Classification: Benign. Last evaluated: 2015-11-23. Review status: criteria provided, single submitter. Criteria: ACMG Guidelines, 2015. Collection method: clinical testing. Allele origin: germline.

Eurofins Ntd Llc (ga)
Classification: Benign. Last evaluated: 2012-08-24. Review status: criteria provided, single submitter. Criteria: EGL Classification Definitions 2015. Collection method: clinical testing. Allele origin: germline. Observed: 2 variant alleles, 2 heterozygotes.

Breakthrough Genomics
Classification: Benign. Review status: criteria provided, single submitter. Criteria: ACMG Guidelines, 2015. Collection method: not provided. Allele origin: germline. Inheritance: Autosomal recessive inheritance. Affected: yes.

Genetic Services Laboratory, University of Chicago
Classification: Likely benign for AllHighlyPenetrant. Review status: no assertion criteria provided. Collection method: clinical testing. Allele origin: germline. Not counted in ClinVar's aggregate classification.
Comment: Likely benign based on allele frequency in 1000 Genomes Project or ESP global frequency and its presence in a patient with a rare or unrelated disease phenotype. NOT Sanger confirmed.